The following is an entry in ClinVar:

ClinVar aggregate classification (germline): Uncertain significance (1 of 4 stars; one submission).

Allele frequency attached by ClinVar (database versions not stated): gnomAD exomes below 0.00001; TOPMed below 0.00001; ExAC 0.00001.
gnomAD v4.1: 2 of 1,610,056 alleles (0.00012%); highest among the groups gnomAD compares: Non-Finnish European, 0.000085%; no homozygotes.

Submission:

Labcorp Genetics (formerly Invitae), Labcorp
Classification: Uncertain significance. Last evaluated: 2022-08-07. Review status: criteria provided, single submitter. Criteria: Invitae Variant Classification Sherloc (09022015). Collection method: clinical testing. Allele origin: germline.
Comment: This variant has not been reported in the literature in individuals affected with SMARCD2-related conditions. This variant is present in population databases (rs774932788, gnomAD 0.006%). This sequence change replaces proline, which is neutral and non-polar, with leucine, which is neutral and non-polar, at codon 102 of the SMARCD2 protein (p.Pro102Leu). Algorithms developed to predict the effect of missense changes on protein structure and function are either unavailable or do not agree on the potential impact of this missense change (SIFT: "Deleterious"; PolyPhen-2: "Benign"; Align-GVGD: "Class C0"). In summary, the available evidence is currently insufficient to determine the role of this variant in disease. Therefore, it has been classified as a Variant of Uncertain Significance.

NM_001098426.2(SMARCD2):c.305C>T (p.Pro102Leu)

Gene: SMARCD2 (SWI/SNF related BAF chromatin remodeling complex subunit D2; minus strand). Cytogenetic location: 17q23.3.
Variant type: single nucleotide variant.
Coding change: c.305C>T on transcript NM_001098426.2 (MANE Select); coding-DNA position 305, C replaced by T.
Protein change: p.Pro102Leu; replaces proline 102 with leucine.
Molecular consequence: missense variant.
Genome position (GRCh38, 1-based): chr17:63,837,537, G>A on the plus strand (C>T on the coding strand, the complement: SMARCD2 is on the minus strand). VCF-style: chr17-63837537-G-A. GRCh37 (hg19) VCF-style: chr17-61914897-G-A.
Other names: c.80C>T, p.Pro27Leu (NM_001330439.1); c.161C>T, p.Pro54Leu (NM_001330440.2); short protein forms P27L, P102L, P54L.
Identifiers: ClinVar variation 2182839 (VCV002182839.4), dbSNP rs774932788, ClinGen allele CA8706533.